The following is an entry in ClinVar:

ClinVar aggregate classification (germline): Benign/Likely benign. Review status: criteria provided, multiple submitters, no conflicts (2 of 4 stars). 6 submissions from 6 submitters: Benign (2); Likely benign (4). Last evaluated 2026-01-01.

Conditions:
Hereditary von Willebrand disease. Identifiers: Orphanet 903, MedGen C5703318, MONDO:0019565. Inheritance: Autosomal recessive or Autosomal dominant.

Allele frequency attached by ClinVar (database versions not stated): gnomAD exomes 0.00153; ExAC 0.00177; gnomAD 0.00452; 1000 Genomes Project 0.00479; 1000 Genomes Project 30x 0.00531; TOPMed 0.00550; ESP Exome Variant Server 0.00600.
gnomAD v4.1: 1,743 of 1,614,150 alleles (0.11%); highest among the groups gnomAD compares: African/African-American, 1.7%; 13 homozygotes.

Submissions (9):

CeGaT Center for Human Genetics Tuebingen
Classification: Benign. Last evaluated: 2026-01-01. Review status: criteria provided, single submitter. Criteria: CeGaT Center For Human Genetics Tuebingen Variant Classification Criteria Version 2. Collection method: clinical testing. Allele origin: germline. Affected: yes. Observed: 1 variant allele.
Comment: VWF: BP4, BS1, BS2

Mayo Clinic Laboratories, Mayo Clinic
Classification: Likely benign. Last evaluated: 2025-09-20. Review status: criteria provided, single submitter. Criteria: ACMG Guidelines, 2015. Collection method: clinical testing. Allele origin: germline. Observed: 4 variant alleles.
Comment: BP4, BP7

ARUP Laboratories, Molecular Genetics and Genomics, ARUP Laboratories
Classification: Benign. Last evaluated: 2025-07-01. Review status: criteria provided, single submitter. Criteria: ARUP Molecular Germline Variant Investigation Process 2024. Collection method: clinical testing. Allele origin: germline.

Quest Diagnostics Nichols Institute San Juan Capistrano
Classification: Likely benign. Last evaluated: 2025-04-11. Review status: criteria provided, single submitter. Criteria: Quest Diagnostics criteria. Collection method: clinical testing. Allele origin: unknown.

Genetic Services Laboratory, University of Chicago
Classification: Likely benign. Last evaluated: 2021-11-22. Review status: criteria provided, single submitter. Criteria: ACMG Guidelines, 2015. Collection method: clinical testing. Allele origin: germline. Affected: no.

Illumina Laboratory Services, Illumina
Classification: Likely benign for von Willebrand disorder. Last evaluated: 2018-01-12. Review status: criteria provided, single submitter. Criteria: ICSL Variant Classification Criteria 13 December 2019. Collection method: clinical testing. Allele origin: germline.
Comment: This variant was observed in the ICSL laboratory as part of a predisposition screen in an ostensibly healthy population. It had not been previously curated by ICSL or reported in the Human Gene Mutation Database (HGMD: prior to June 1st, 2018), and was therefore a candidate for classification through an automated scoring system. Utilizing variant allele frequency, disease prevalence and penetrance estimates, and inheritance mode, an automated score was calculated to assess if this variant is too frequent to cause the disease. Based on the score and internal cut-off values, a variant classified as likely benign is not then subjected to further curation. The score for this variant resulted in a classification of likely benign for this disease.

Dr. Peter K. Rogan Lab, Western University
No classification provided (evidence only). Condition: Clear cell carcinoma of kidney. Review status: no classification provided. Collection method: in vitro. Allele origin: not applicable. Functional consequence: retained intron. Not counted in ClinVar's aggregate classification.

Dr. Peter K. Rogan Lab, Western University
No classification provided (evidence only). Condition: Ovarian serous cystadenocarcinoma. Review status: no classification provided. Collection method: in vitro. Allele origin: not applicable. Functional consequence: retained intron. Not counted in ClinVar's aggregate classification.

Dr. Peter K. Rogan Lab, Western University
No classification provided (evidence only). Condition: Gastric cancer. Review status: no classification provided. Collection method: in vitro. Allele origin: not applicable. Functional consequence: retained intron. Not counted in ClinVar's aggregate classification.

Literature cited by the submitters: PubMed 37466676 (cited by Quest Diagnostics Nichols Institute San Juan Capistrano).

NM_000552.5(VWF):c.55+8C>A

Gene: VWF (von Willebrand factor; minus strand). Cytogenetic location: 12p13.31.
Variant type: single nucleotide variant.
Coding change: c.55+8C>A on transcript NM_000552.5 (MANE Select); 8 bases into the intron after coding-DNA position 55, C replaced by A.
Molecular consequence: intron variant.
Genome position (GRCh38, 1-based): chr12:6,123,134, G>T on the plus strand (C>A on the coding strand, the complement: VWF is on the minus strand). VCF-style: chr12-6123134-G-T. GRCh37 (hg19) VCF-style: chr12-6232300-G-T.
Other names: NC_000012.11:g.6232300G>T; p.?.
Identifiers: ClinVar variation 310091 (VCV000310091.20), dbSNP rs114713980, ClinGen allele CA6403984.
Genomic context (GRCh38, chr12:6,123,134, plus strand): 5'-TCCCGGAAAGGTGTCACTCCAGATGGCCCTGGGGCAGGAATGAGAAATGGAGGCCCTTTT[G>T]TACCTACCTGGCAAAATGAGGGCCAGAGCAAGCAGCACCCCGGCAAATCTGGCAGGAATC-3'